The following is an entry in ClinVar:

ClinVar aggregate classification (germline): Pathogenic (1 of 4 stars; one submission).

Conditions:
Hereditary spastic paraplegia 11. Also called: SPASTIC PARAPLEGIA, AUTOSOMAL RECESSIVE, COMPLICATED, WITH THIN CORPUS CALLOSUM; SPASTIC PARAPLEGIA, AUTOSOMAL RECESSIVE, WITH MENTAL IMPAIRMENT AND THIN CORPUS CALLOSUM; Nakamura Osame syndrome; Autosomal recessive hereditary spastic paraplegia, mental impairment, and thin corpus callosum; Spastic paraplegia, mental retardation and thin corpus callosum; Spastic Paraplegia 11. Identifiers: Orphanet 2822, MedGen C1858479, MONDO:0011445, OMIM 604360.

Submission:

Labcorp Genetics (formerly Invitae), Labcorp
Classification: Pathogenic for Hereditary spastic paraplegia 11. Last evaluated: 2020-10-05. Review status: criteria provided, single submitter. Criteria: Invitae Variant Classification Sherloc (09022015). Collection method: clinical testing. Allele origin: germline.
Comment: For these reasons, this variant has been classified as Pathogenic. This sequence change creates a premature translational stop signal (p.Ser2106Cysfs*8) in the SPG11 gene. It is expected to result in an absent or disrupted protein product. This variant is not present in population databases (ExAC no frequency). This variant has not been reported in the literature in individuals with SPG11-related conditions. Loss-of-function variants in SPG11 are known to be pathogenic (PMID: 19105190, 20110243, 22154821).

Literature cited by the submitters: PubMed 19105190; PubMed 20110243; PubMed 22154821.

NM_025137.4(SPG11):c.6317_6335del (p.Ser2106fs)

Gene: SPG11 (SPG11 vesicle trafficking associated, spatacsin; minus strand). Cytogenetic location: 15q21.1.
Variant type: Deletion.
Coding change: c.6317_6335del on transcript NM_025137.4 (MANE Select); coding-DNA positions 6317 to 6335, 19 bases deleted (CCGTTCCCCATGGGGAACT).
Protein change: p.Ser2106fs; shifts the reading frame from serine 2106.
Molecular consequence: frameshift variant.
Genome position (GRCh38, 1-based): chr15:44,572,691-44,572,709, AGTTCCCCATGGGGAACGG deleted on the plus strand (CCGTTCCCCATGGGGAACT on the coding strand, the reverse complement: SPG11 is on the minus strand); deleting any 19 consecutive bases within chr15:44,572,691-44,572,711 gives the same sequence; the c. name uses the placement nearest the transcript's 3' end. VCF-style (leftmost placement, unchanged base first): chr15-44572690-CAGTTCCCCATGGGGAACGG-C. GRCh37 (hg19) VCF-style: chr15-44864888-CAGTTCCCCATGGGGAACGG-C.
Other names: c.5978_5996del, p.Ser1993fs (NM_001160227.2); short protein forms S1993fs, S2106fs.
Identifiers: ClinVar variation 1070834 (VCV001070834.7), dbSNP rs1439018038, ClinGen allele CA713052610.